The following is an entry in ClinVar:

NM_004304.5(ALK):c.2915-12_2915-9del

Gene: ALK (ALK receptor tyrosine kinase; minus strand). Cytogenetic location: 2p23.2.
Variant type: Deletion.
Coding change: c.2915-12_2915-9del on transcript NM_004304.5 (MANE Select); 12 bases into the intron before coding-DNA position 2915 through 9 bases into the intron before coding-DNA position 2915, 4 bases deleted (CCTT; older notation c.2915-12_2915-9delCCTT).
Molecular consequence: intron variant.
Genome position (GRCh38, 1-based): chr2:29,227,083-29,227,086, AAGG deleted on the plus strand (CCTT on the coding strand, the reverse complement: ALK is on the minus strand); deleting any 4 consecutive bases within chr2:29,227,083-29,227,087 gives the same sequence; the c. name uses the placement nearest the transcript's 3' end. VCF-style (leftmost placement, unchanged base first): chr2-29227082-CAAGG-C. GRCh37 (hg19) VCF-style: chr2-29449948-CAAGG-C.
Identifiers: ClinVar variation 1950098 (VCV001950098.5), dbSNP rs2465971717, ClinGen allele CA2580066416.

ClinVar aggregate classification (germline): Uncertain significance (1 of 4 stars; one submission).

Conditions:
Neuroblastoma, susceptibility to, 3. Also called: ALK-Related Neuroblastic Tumor Susceptibility. Identifiers: Orphanet 635, MedGen C2751681, MONDO:0013083, OMIM 613014.

Submission:

Labcorp Genetics (formerly Invitae), Labcorp
Classification: Uncertain significance for Neuroblastoma, susceptibility to, 3. Last evaluated: 2022-02-27. Review status: criteria provided, single submitter. Criteria: Invitae Variant Classification Sherloc (09022015). Collection method: clinical testing. Allele origin: germline.
Comment: In summary, the available evidence is currently insufficient to determine the role of this variant in disease. Therefore, it has been classified as a Variant of Uncertain Significance. Algorithms developed to predict the effect of sequence changes on RNA splicing suggest that this variant may disrupt the consensus splice site. This variant has not been reported in the literature in individuals affected with ALK-related conditions. This variant is not present in population databases (gnomAD no frequency). This sequence change falls in intron 17 of the ALK gene. It does not directly change the encoded amino acid sequence of the ALK protein.